The following is an entry in ClinVar:

NM_015175.3(NBEAL2):c.4126A>G (p.Ser1376Gly)

Gene: NBEAL2 (neurobeachin like 2; plus strand). Cytogenetic location: 3p21.31.
Variant type: single nucleotide variant.
Coding change: c.4126A>G on transcript NM_015175.3 (MANE Select); coding-DNA position 4126, A replaced by G.
Protein change: p.Ser1376Gly; replaces serine 1376 with glycine.
Molecular consequence: missense variant.
Genome position (GRCh38, 1-based): chr3:47,000,225, A>G. VCF-style: chr3-47000225-A-G. GRCh37 (hg19) VCF-style: chr3-47041715-A-G.
Other names: c.4024A>G, p.Ser1342Gly (NM_001365116.2); c.4126A>G (NM_015175.1); short protein forms S1376G, S1342G.
Identifiers: ClinVar variation 900942 (VCV000900942.7), dbSNP rs369363563, ClinGen allele CA2361150.

ClinVar aggregate classification (germline): Conflicting classifications of pathogenicity. Review status: criteria provided, conflicting classifications (1 of 4 stars). 4 submissions from 4 submitters: Uncertain significance (2); Likely benign (2). Last evaluated 2024-10-09.

Conditions:
Inborn genetic diseases. Identifiers: MedGen C0950123, MeSH D030342.
Gray platelet syndrome (GPS). Also called: BLEEDING DISORDER, PLATELET-TYPE, 4. Identifiers: Orphanet 721, MedGen C0272302, MONDO:0007686, OMIM 139090.

Allele frequency attached by ClinVar (database versions not stated): ExAC 0.00004; gnomAD exomes 0.00006 and 0.00007; gnomAD 0.00008 and 0.00009; TOPMed 0.00009; ESP Exome Variant Server 0.00016.
gnomAD v4.1: 122 of 1,613,594 alleles (0.0076%); highest among the groups gnomAD compares: Admixed American, 0.018%; no homozygotes.

Submissions (4):

Ambry Genetics
Classification: Likely benign for Inborn genetic diseases. Last evaluated: 2024-10-09. Review status: criteria provided, single submitter. Criteria: Ambry Variant Classification Scheme 2023. Collection method: clinical testing. Allele origin: germline.

Blueprint Genetics
Classification: Likely benign. Last evaluated: 2023-05-05. Review status: criteria provided, single submitter. Criteria: ACMG Guidelines, 2015. Collection method: clinical testing. Allele origin: germline.

GeneDx
Classification: Uncertain significance. Last evaluated: 2019-05-08. Review status: criteria provided, single submitter. Criteria: GeneDx Variant Classification Process June 2021. Collection method: clinical testing. Allele origin: germline. Affected: yes.
Comment: In silico analysis, which includes protein predictors and evolutionary conservation, supports that this variant does not alter protein structure/function; Has not been previously published as pathogenic or benign to our knowledge

Illumina Laboratory Services, Illumina
Classification: Uncertain significance for Gray platelet syndrome. Last evaluated: 2018-01-13. Review status: criteria provided, single submitter. Criteria: ICSL Variant Classification Criteria 13 December 2019. Collection method: clinical testing. Allele origin: germline.